The following is an entry in ClinVar:

NM_002472.3(MYH8):c.1996A>T (p.Arg666Trp)

Genes: MYH8 (myosin heavy chain 8; minus strand), MYHAS (myosin heavy chain gene cluster antisense RNA; plus strand). Cytogenetic location: 17p13.1.
Variant type: single nucleotide variant.
Coding change: c.1996A>T on transcript NM_002472.3 (MANE Select); coding-DNA position 1996, A replaced by T.
Protein change: p.Arg666Trp; replaces arginine 666 with tryptophan.
Molecular consequence: missense variant.
Genome position (GRCh38, 1-based): chr17:10,406,949, T>A on the plus strand (A>T on the coding strand, the complement: MYH8 is on the minus strand). VCF-style: chr17-10406949-T-A. GRCh37 (hg19) VCF-style: chr17-10310266-T-A.
Other names: short protein forms R666W.
Identifiers: ClinVar variation 3366247 (VCV003366247.1).

ClinVar aggregate classification (germline): Uncertain significance (1 of 4 stars; one submission).

gnomAD v4.1: 1 of 1,614,072 alleles (0.000062%); highest among the groups gnomAD compares: Non-Finnish European, 0.000085%; no homozygotes.

Submission:

GeneDx
Classification: Uncertain significance. Last evaluated: 2023-10-17. Review status: criteria provided, single submitter. Criteria: GeneDx Variant Classification Process June 2021. Collection method: clinical testing. Allele origin: germline. Affected: yes.
Comment: Not observed at significant frequency in large population cohorts (gnomAD); In silico analysis supports that this missense variant has a deleterious effect on protein structure/function; Has not been previously published as pathogenic or benign to our knowledge